The following is an entry in ClinVar:

NM_002460.4(IRF4):c.19G>A (p.Gly7Ser)

Gene: IRF4 (interferon regulatory factor 4; plus strand). Cytogenetic location: 6p25.3.
Variant type: single nucleotide variant.
Coding change: c.19G>A on transcript NM_002460.4 (MANE Select); coding-DNA position 19, G replaced by A.
Protein change: p.Gly7Ser; replaces glycine 7 with serine.
Molecular consequence: missense variant. On other transcripts: non-coding transcript variant (1).
Genome position (GRCh38, 1-based): chr6:393,171, G>A. VCF-style: chr6-393171-G-A. GRCh37 (hg19) VCF-style: chr6-393171-G-A.
Other names: c.19G>A, p.Gly7Ser (NM_001195286.2); short protein forms G7S.
Identifiers: ClinVar variation 3627995 (VCV003627995.2).

ClinVar aggregate classification (germline): Uncertain significance (1 of 4 stars; one submission).

Submission:

Labcorp Genetics (formerly Invitae), Labcorp
Classification: Uncertain significance. Last evaluated: 2024-09-23. Review status: criteria provided, single submitter. Criteria: Invitae Variant Classification Sherloc (09022015). Collection method: clinical testing. Allele origin: germline.
Comment: This sequence change replaces glycine, which is neutral and non-polar, with serine, which is neutral and polar, at codon 7 of the IRF4 protein (p.Gly7Ser). This variant is not present in population databases (gnomAD no frequency). This variant has not been reported in the literature in individuals affected with IRF4-related conditions. An algorithm developed to predict the effect of missense changes on protein structure and function outputs the following: PolyPhen-2: "Benign". The serine amino acid residue is found in multiple mammalian species, which suggests that this missense change does not adversely affect protein function. In summary, the available evidence is currently insufficient to determine the role of this variant in disease. Therefore, it has been classified as a Variant of Uncertain Significance.